The following is an entry in ClinVar:

NM_144499.3(GNAT1):c.507C>G (p.Asp169Glu)

Gene: GNAT1 (G protein subunit alpha transducin 1; plus strand). Cytogenetic location: 3p21.31.
Variant type: single nucleotide variant.
Coding change: c.507C>G on transcript NM_144499.3 (MANE Select); coding-DNA position 507, C replaced by G.
Protein change: p.Asp169Glu; replaces aspartic acid 169 with glutamic acid.
Molecular consequence: missense variant.
Genome position (GRCh38, 1-based): chr3:50,193,810, C>G. VCF-style: chr3-50193810-C-G. GRCh37 (hg19) VCF-style: chr3-50231243-C-G.
Other names: c.507C>G, p.Asp169Glu (NM_000172.4); c.507C>G (NM_144499.2); short protein forms D169E.
Identifiers: ClinVar variation 2730166 (VCV002730166.4), dbSNP rs1470513134, ClinGen allele CA352916358.

ClinVar aggregate classification (germline): Uncertain significance. Review status: criteria provided, multiple submitters, no conflicts (2 of 4 stars). 2 submissions from 2 submitters: Uncertain significance (2). Last evaluated 2024-12-04.

Conditions:
Inborn genetic diseases. Identifiers: MedGen C0950123, MeSH D030342.

Allele frequency attached by ClinVar (database versions not stated): gnomAD exomes below 0.00001; gnomAD 0.00001.
gnomAD v4.1: 6 of 1,612,930 alleles (0.00037%); highest among the groups gnomAD compares: African/African-American, 0.0013%; no homozygotes.

Submissions (2):

Ambry Genetics
Classification: Uncertain significance for Inborn genetic diseases. Last evaluated: 2024-12-04. Review status: criteria provided, single submitter. Criteria: Ambry Variant Classification Scheme 2023. Collection method: clinical testing. Allele origin: germline.

Labcorp Genetics (formerly Invitae), Labcorp
Classification: Uncertain significance. Last evaluated: 2023-08-14. Review status: criteria provided, single submitter. Criteria: Invitae Variant Classification Sherloc (09022015). Collection method: clinical testing. Allele origin: germline.
Comment: In summary, the available evidence is currently insufficient to determine the role of this variant in disease. Therefore, it has been classified as a Variant of Uncertain Significance. Advanced modeling of protein sequence and biophysical properties (such as structural, functional, and spatial information, amino acid conservation, physicochemical variation, residue mobility, and thermodynamic stability) performed at Invitae indicates that this missense variant is expected to disrupt GNAT1 protein function. This variant has not been reported in the literature in individuals affected with GNAT1-related conditions. This variant is present in population databases (no rsID available, gnomAD 0.01%). This sequence change replaces aspartic acid, which is acidic and polar, with glutamic acid, which is acidic and polar, at codon 169 of the GNAT1 protein (p.Asp169Glu).